The following is an entry in ClinVar:

ClinVar aggregate classification (germline): Uncertain significance (1 of 4 stars; one submission).

Conditions:
Vici syndrome (VICIS). Identifiers: Orphanet 1493, MedGen C1855772, MONDO:0009452, OMIM 242840.

Submission:

Labcorp Genetics (formerly Invitae), Labcorp
Classification: Uncertain significance for Vici syndrome. Last evaluated: 2022-10-18. Review status: criteria provided, single submitter. Criteria: Invitae Variant Classification Sherloc (09022015). Collection method: clinical testing. Allele origin: germline.
Comment: This variant has not been reported in the literature in individuals affected with EPG5-related conditions. This variant is not present in population databases (gnomAD no frequency). This sequence change replaces arginine, which is basic and polar, with lysine, which is basic and polar, at codon 2390 of the EPG5 protein (p.Arg2390Lys). Advanced modeling of protein sequence and biophysical properties (such as structural, functional, and spatial information, amino acid conservation, physicochemical variation, residue mobility, and thermodynamic stability) performed at Invitae indicates that this missense variant is not expected to disrupt EPG5 protein function. In summary, the available evidence is currently insufficient to determine the role of this variant in disease. Therefore, it has been classified as a Variant of Uncertain Significance.

NM_020964.3(EPG5):c.7169G>A (p.Arg2390Lys)

Gene: EPG5 (ectopic P-granules 5 autophagy tethering factor; minus strand). Cytogenetic location: 18q12.3.
Variant type: single nucleotide variant.
Coding change: c.7169G>A on transcript NM_020964.3 (MANE Select); coding-DNA position 7169, G replaced by A.
Protein change: p.Arg2390Lys; replaces arginine 2390 with lysine.
Molecular consequence: missense variant.
Genome position (GRCh38, 1-based): chr18:45,858,623, C>T on the plus strand (G>A on the coding strand, the complement: EPG5 is on the minus strand). VCF-style: chr18-45858623-C-T. GRCh37 (hg19) VCF-style: chr18-43438588-C-T.
Other names: c.7169G>A, p.Arg2390Lys (NM_001410858.1); c.7166G>A, p.Arg2389Lys (NM_001410859.1); short protein forms R2389K, R2390K.
Identifiers: ClinVar variation 1980015 (VCV001980015.4), dbSNP rs2511451011, ClinGen allele CA402336376.